The following is an entry in ClinVar:

NM_001244008.2(KIF1A):c.3085G>A (p.Val1029Met)

Gene: KIF1A (kinesin family member 1A; minus strand). Cytogenetic location: 2q37.3.
Variant type: single nucleotide variant.
Coding change: c.3085G>A on transcript NM_001244008.2 (MANE Select); coding-DNA position 3085, G replaced by A.
Protein change: p.Val1029Met; replaces valine 1029 with methionine.
Molecular consequence: missense variant.
Genome position (GRCh38, 1-based): chr2:240,746,156, C>T on the plus strand (G>A on the coding strand, the complement: KIF1A is on the minus strand). VCF-style: chr2-240746156-C-T. GRCh37 (hg19) VCF-style: chr2-241685573-C-T.
Other names: p.Val928Met; c.2809G>A, p.Val937Met (NM_001320705.2, NM_001330289.2, NM_001379638.1); c.2884G>A, p.Val962Met (NM_001330290.2, NM_001379634.1, NM_001379635.1 and 1 more transcripts); c.3160G>A, p.Val1054Met (NM_001379631.1); c.3034G>A, p.Val1012Met (NM_001379632.1); c.3058G>A, p.Val1020Met (NM_001379633.1, NM_001379642.1, NM_001379645.1); c.2782G>A, p.Val928Met (NM_001379636.1, NM_001379639.1, NM_001379640.1 and 6 more transcripts); c.2857G>A, p.Val953Met (NM_001379637.1, NM_001379648.1); short protein forms V1029M, V928M, V962M, V937M, V1012M, V1020M, V1054M, V953M.
Identifiers: ClinVar variation 245637 (VCV000245637.65), dbSNP rs183359489, ClinGen allele CA2207905.

ClinVar aggregate classification (germline): Conflicting classifications of pathogenicity. Review status: criteria provided, conflicting classifications (1 of 4 stars). 14 submissions from 14 submitters: Uncertain significance (3); Benign (2); Likely benign (7). 2 of the submissions do not count toward it. Last evaluated 2026-08-01.

Conditions:
KIF1A-related disorder. Also called: KIF1A-related disorders; KIF1A-related condition.
Hereditary ataxia. Also called: Hereditary Ataxias. Identifiers: Orphanet 183518, MedGen C0004138, MONDO:0100309, MONDO:0000557.
Inborn genetic diseases. Identifiers: MedGen C0950123, MeSH D030342.
Neuropathy, hereditary sensory, type 2C. Also called: KIF1A-Related HSAN2 (HSAN2C); Hereditary sensory and autonomic neuropathy type IIC. Identifiers: Orphanet 970, MedGen C3280168, MONDO:0013634, OMIM 614213.
Intellectual disability, autosomal dominant 9 (NESCAVS). Also called: NESCAV SYNDROME; KIF1A-Related Neurodevelopmental Disorder. Identifiers: Orphanet 662367, MedGen C5393830, MONDO:0013656, OMIM 614255.
Hereditary spastic paraplegia 30. Identifiers: Orphanet 101010, MedGen C5235139, MONDO:0012476.
Hereditary spastic paraplegia. Also called: Familial spastic paraparesis. Identifiers: Orphanet 685, MedGen C0037773, MONDO:0019064. Disease mechanism: loss of function.
Intellectual disability. Also called: intellectual disabilities; Intellectual functioning disability; Intellectual developmental disorder. Identifiers: MedGen C3714756, MeSH D008607, MONDO:0001071, HP:0001249.

Allele frequency attached by ClinVar (database versions not stated): 1000 Genomes Project 30x 0.00047; 1000 Genomes Project 0.00060; gnomAD exomes 0.00137 and 0.00263; TOPMed 0.00137; gnomAD 0.00155 and 0.00160; ESP Exome Variant Server 0.00194; ExAC 0.00221.
gnomAD v4.1: 3,900 of 1,565,742 alleles (0.25%); highest among the groups gnomAD compares: Middle Eastern, 0.9%; 13 homozygotes.

Submissions (14):

CeGaT Center for Human Genetics Tuebingen
Classification: Likely benign. Last evaluated: 2026-08-01. Review status: criteria provided, single submitter. Criteria: CeGaT Center For Human Genetics Tuebingen Variant Classification Criteria Version 2. Collection method: clinical testing. Allele origin: germline. Affected: yes. Observed: 22 variant alleles.
Comment: KIF1A: BP4, BS2

Labcorp Genetics (formerly Invitae), Labcorp
Classification: Likely benign for Hereditary spastic paraplegia 30; Neuropathy, hereditary sensory, type 2C; Intellectual disability, autosomal dominant 9. Last evaluated: 2026-01-26. Review status: criteria provided, single submitter. Criteria: Invitae Variant Classification Sherloc (09022015). Collection method: clinical testing. Allele origin: germline.

Blueprint Genetics
Classification: Likely benign. Last evaluated: 2024-11-15. Review status: criteria provided, single submitter. Criteria: ACMG Guidelines, 2015. Collection method: clinical testing. Allele origin: germline.

Mayo Clinic Laboratories, Mayo Clinic
Classification: Benign. Last evaluated: 2024-05-09. Review status: criteria provided, single submitter. Criteria: ACMG Guidelines, 2015. Collection method: clinical testing. Allele origin: germline. Observed: 8 variant alleles.
Comment: BS1, BS2, BP4

Athena Diagnostics
Classification: Likely benign. Last evaluated: 2023-11-16. Review status: criteria provided, single submitter. Criteria: Athena Diagnostics Criteria. Collection method: clinical testing. Allele origin: unknown.

Ambry Genetics
Classification: Likely benign for Inborn genetic diseases. Last evaluated: 2023-08-23. Review status: criteria provided, single submitter. Criteria: Ambry Variant Classification Scheme 2023. Collection method: clinical testing. Allele origin: germline.

Genome Diagnostics Laboratory, The Hospital for Sick Children
Classification: Uncertain significance for Hereditary spastic paraplegia. Last evaluated: 2021-10-12. Review status: criteria provided, single submitter. Criteria: ACMG Guidelines, 2015. Collection method: clinical testing. Allele origin: germline. Affected: yes.

GeneDx
Classification: Likely benign. Last evaluated: 2021-02-22. Review status: criteria provided, single submitter. Criteria: GeneDx Variant Classification Process June 2021. Collection method: clinical testing. Allele origin: germline. Affected: yes.
Comment: This variant is associated with the following publications: (PMID: 26077850)

Cambridge Genomics Laboratory, East Genomic Laboratory Hub, NHS Genomic Medicine Service
Classification: Likely benign for Hereditary ataxia. Last evaluated: 2019-11-13. Review status: criteria provided, single submitter. Criteria: ACGS Best Practice Guidelines for Variant Classification in Rare Disease 2020. Collection method: clinical testing. Allele origin: germline. Affected: yes. Observed: 1 variant allele.

Genetic Services Laboratory, University of Chicago
Classification: Uncertain significance. Last evaluated: 2019-07-02. Review status: criteria provided, single submitter. Criteria: ACMG Guidelines, 2015. Collection method: clinical testing. Allele origin: germline. Affected: no.

Illumina Laboratory Services, Illumina
Classification: Uncertain significance for Spastic paraplegia 30A, autosomal dominant. Last evaluated: 2018-01-12. Review status: criteria provided, single submitter. Criteria: ICSL Variant Classification Criteria 13 December 2019. Collection method: clinical testing. Allele origin: germline.

Center for Pediatric Genomic Medicine, Children's Mercy Hospital and Clinics
Classification: Benign. Last evaluated: 2016-09-15. Review status: criteria provided, single submitter. Criteria: ACMG Guidelines, 2015. Collection method: clinical testing. Allele origin: germline.

PreventionGenetics, part of Exact Sciences
Classification: Likely benign for KIF1A-related condition. Last evaluated: 2022-04-28. Review status: no assertion criteria provided. Collection method: clinical testing. Allele origin: germline. Not counted in ClinVar's aggregate classification.
Comment: This variant is classified as likely benign based on ACMG/AMP sequence variant interpretation guidelines (Richards et al. 2015 PMID: 25741868, with internal and published modifications).

Centre de Biologie Pathologie Génétique, Centre Hospitalier Universitaire de Lille
Classification: Benign for Intellectual disability. Last evaluated: 2019-01-01. Review status: no assertion criteria provided. Collection method: clinical testing. Allele origin: inherited. Affected: yes. Not counted in ClinVar's aggregate classification.